The following is an entry in ClinVar:

NM_000138.5(FBN1):c.7475A>G (p.Lys2492Arg)

Gene: FBN1 (fibrillin 1; minus strand). Cytogenetic location: 15q21.1.
Variant type: single nucleotide variant.
Coding change: c.7475A>G on transcript NM_000138.5 (MANE Select); coding-DNA position 7475, A replaced by G.
Protein change: p.Lys2492Arg; replaces lysine 2492 with arginine.
Molecular consequence: missense variant.
Genome position (GRCh38, 1-based): chr15:48,422,047, T>C on the plus strand (A>G on the coding strand, the complement: FBN1 is on the minus strand). VCF-style: chr15-48422047-T-C. GRCh37 (hg19) VCF-style: chr15-48714244-T-C.
Other names: c.7475A>G, p.Lys2492Arg (NM_001406716.1); short protein forms K2492R.
Identifiers: ClinVar variation 3075336 (VCV003075336.2), dbSNP rs1415885269, ClinGen allele CA392326140.

ClinVar aggregate classification (germline): Uncertain significance. Review status: criteria provided, multiple submitters, no conflicts (2 of 4 stars). 2 submissions from 2 submitters: Uncertain significance (2). Last evaluated 2025-05-18.

Conditions:
Marfan syndrome (MFS). Also called: MARFAN SYNDROME, TYPE I; Marfan syndrome type 1; Marfan's syndrome; Marfan syndrome, classic; FBN1-Related Marfan Syndrome. Identifiers: Orphanet 284963, Orphanet 558, MedGen C0024796, MONDO:0007947, OMIM 154700.
Familial thoracic aortic aneurysm and aortic dissection (TAAD). Also called: Thoracic aortic aneurysms and dissections. Identifiers: Orphanet 91387, MedGen C4707243, MONDO:0019625.

Allele frequency attached by ClinVar (database versions not stated): gnomAD exomes below 0.00001.
gnomAD v4.1: 3 of 1,613,330 alleles (0.00019%); highest among the groups gnomAD compares: South Asian, 0.0022%; no homozygotes.

Submissions (2):

Labcorp Genetics (formerly Invitae), Labcorp
Classification: Uncertain significance for Marfan syndrome; Familial thoracic aortic aneurysm and aortic dissection. Last evaluated: 2025-05-18. Review status: criteria provided, single submitter. Criteria: Invitae Variant Classification Sherloc (09022015). Collection method: clinical testing. Allele origin: germline.
Comment: This sequence change replaces lysine, which is basic and polar, with arginine, which is basic and polar, at codon 2492 of the FBN1 protein (p.Lys2492Arg). This variant is present in population databases (no rsID available, gnomAD 0.0009%). This variant has not been reported in the literature in individuals affected with FBN1-related conditions. ClinVar contains an entry for this variant (Variation ID: 3075336). Invitae Evidence Modeling of protein sequence and biophysical properties (such as structural, functional, and spatial information, amino acid conservation, physicochemical variation, residue mobility, and thermodynamic stability) has been performed for this missense variant. However, the output from this modeling did not meet the statistical confidence thresholds required to predict the impact of this variant on FBN1 protein function. In summary, the available evidence is currently insufficient to determine the role of this variant in disease. Therefore, it has been classified as a Variant of Uncertain Significance.

All of Us Research Program, National Institutes of Health
Classification: Uncertain significance for Marfan syndrome. Last evaluated: 2024-01-11. Review status: criteria provided, single submitter. Criteria: ACMG Guidelines, 2015. Collection method: clinical testing. Allele origin: germline. Inheritance: Autosomal dominant inheritance. Observed: 1 variant allele, 1 heterozygote.
Comment: This study involves interpretation of variants in research participants for the purpose of population health screening. Participant phenotype was not available at the time of variant classification. Additional details can be found in publication PMID: 35346344, PMCID: PMC8962531